The following is an entry in ClinVar:

ClinVar aggregate classification (germline): Uncertain significance (1 of 4 stars; one submission).

Conditions:
VPS13B-related disorder. Also called: VPS13B-related condition.

gnomAD v4.1: 2 of 1,614,004 alleles (0.00012%); highest among the groups gnomAD compares: Non-Finnish European, 0.00017%; no homozygotes.

Submission:

PreventionGenetics, part of Exact Sciences
Classification: Uncertain significance for VPS13B-related condition. Last evaluated: 2026-02-10. Review status: criteria provided, single submitter. Criteria: ACMG Guidelines, 2015. Collection method: clinical testing. Allele origin: germline.
Comment: The VPS13B c.4504A>G variant is predicted to result in the amino acid substitution p.Arg1502Gly. To our knowledge, this variant has not been reported in the literature or in a large population database (gnomAD), indicating this variant is rare. At this time, the clinical significance of this variant is uncertain due to the absence of conclusive functional and genetic evidence.

NM_152564.5(VPS13B):c.4504A>G (p.Arg1502Gly)

Gene: VPS13B (vacuolar protein sorting 13 homolog B; plus strand). Cytogenetic location: 8q22.2.
Variant type: single nucleotide variant.
Coding change: c.4504A>G on transcript NM_152564.5 (MANE Select); coding-DNA position 4504, A replaced by G.
Protein change: p.Arg1502Gly; replaces arginine 1502 with glycine.
Molecular consequence: missense variant.
Genome position (GRCh38, 1-based): chr8:99,511,383, A>G. VCF-style: chr8-99511383-A-G. GRCh37 (hg19) VCF-style: chr8-100523611-A-G.
Other names: c.4579A>G, p.Arg1527Gly (NM_017890.5); short protein forms R1527G, R1502G.
Identifiers: ClinVar variation 4993627 (VCV004993627.1).